The following is an entry in ClinVar:

ClinVar aggregate classification (germline): Uncertain significance (1 of 4 stars; one submission).

Allele frequency attached by ClinVar (database versions not stated): gnomAD exomes below 0.00001; ExAC 0.00001.

Submission:

Labcorp Genetics (formerly Invitae), Labcorp
Classification: Uncertain significance. Last evaluated: 2024-06-26. Review status: criteria provided, single submitter. Criteria: Invitae Variant Classification Sherloc (09022015). Collection method: clinical testing. Allele origin: germline.
Comment: This sequence change replaces methionine, which is neutral and non-polar, with valine, which is neutral and non-polar, at codon 892 of the FUK protein (p.Met892Val). This variant is present in population databases (rs748988530, gnomAD 0.007%). This variant has not been reported in the literature in individuals affected with FUK-related conditions. Algorithms developed to predict the effect of missense changes on protein structure and function output the following: SIFT: "Not Available"; PolyPhen-2: "Benign"; Align-GVGD: "Not Available". The valine amino acid residue is found in multiple mammalian species, which suggests that this missense change does not adversely affect protein function. In summary, the available evidence is currently insufficient to determine the role of this variant in disease. Therefore, it has been classified as a Variant of Uncertain Significance.

NM_145059.3(FCSK):c.2674A>G (p.Met892Val)

Gene: FCSK (fucose kinase; plus strand). Cytogenetic location: 16q22.1.
Variant type: single nucleotide variant.
Coding change: c.2674A>G on transcript NM_145059.3 (MANE Select); coding-DNA position 2674, A replaced by G.
Protein change: p.Met892Val; replaces methionine 892 with valine.
Molecular consequence: missense variant.
Genome position (GRCh38, 1-based): chr16:70,478,304, A>G. VCF-style: chr16-70478304-A-G. GRCh37 (hg19) VCF-style: chr16-70512207-A-G.
Other names: short protein forms M892V.
Identifiers: ClinVar variation 2984310 (VCV002984310.3), dbSNP rs748988530, ClinGen allele CA8143702.
Genomic context (GRCh38, chr16:70,478,304, plus strand): 5'-CCAACAGTGACAGTCCCTGGGCTCACAGGAGGTGGCTGGCAGGACCAAGTAGGTGGCCTA[A>G]TGCCTGGCATCAAGGTGGGGCGCTCCCGGGCTCAGCTGCCACTGAAGGTGGAGGTAGAAG-3'
Protein context (NP_659496.2, residues 882-902): GGWQDQVGGL[Met892Val]PGIKVGRSRA